The following is an entry in ClinVar:

ClinVar aggregate classification (germline): Uncertain significance (1 of 4 stars; one submission).

gnomAD v4.1: 2 of 1,613,748 alleles (0.00012%); highest among the groups gnomAD compares: East Asian, 0.0022%; no homozygotes.

Submission:

Labcorp Genetics (formerly Invitae), Labcorp
Classification: Uncertain significance. Last evaluated: 2024-03-24. Review status: criteria provided, single submitter. Criteria: Invitae Variant Classification Sherloc (09022015). Collection method: clinical testing. Allele origin: germline.
Comment: This sequence change replaces arginine, which is basic and polar, with proline, which is neutral and non-polar, at codon 31 of the ADGRE2 protein (p.Arg31Pro). This variant is not present in population databases (gnomAD no frequency). This variant has not been reported in the literature in individuals affected with ADGRE2-related conditions. Algorithms developed to predict the effect of missense changes on protein structure and function output the following: SIFT: "Not Available"; PolyPhen-2: "Benign"; Align-GVGD: "Not Available". The proline amino acid residue is found in multiple mammalian species, which suggests that this missense change does not adversely affect protein function. In summary, the available evidence is currently insufficient to determine the role of this variant in disease. Therefore, it has been classified as a Variant of Uncertain Significance.

NM_013447.4(ADGRE2):c.92G>C (p.Arg31Pro)

Gene: ADGRE2 (adhesion G protein-coupled receptor E2; minus strand). Cytogenetic location: 19p13.12.
Variant type: single nucleotide variant.
Coding change: c.92G>C on transcript NM_013447.4 (MANE Select); coding-DNA position 92, G replaced by C.
Protein change: p.Arg31Pro; replaces arginine 31 with proline.
Molecular consequence: missense variant.
Genome position (GRCh38, 1-based): chr19:14,774,045, C>G on the plus strand (G>C on the coding strand, the complement: ADGRE2 is on the minus strand). VCF-style: chr19-14774045-C-G. GRCh37 (hg19) VCF-style: chr19-14884857-C-G.
Other names: c.92G>C, p.Arg31Pro (NM_001271052.1, NM_152916.2, NM_152917.2); short protein forms R31P.
Identifiers: ClinVar variation 3695522 (VCV003695522.2).
Genomic context (GRCh38, chr19:14,774,045, plus strand): 5'-AACCCTGGATTGCAGCGACAGGCGGTGGCATTGACACACGAGGAGTCCTGAGGGCACCAC[C>G]GGGCACAGCCTGCAAGAGCAGGGAGCACGGTCAGAAGGTGAGGGGTAAGGGAATACACAA-3'
Protein context (NP_038475.2, residues 21-41): AETQDSRGCA[Arg31Pro]WCPQDSSCVN